The following is an entry in ClinVar:

NM_032806.6(POMGNT2):c.459C>T (p.Ala153=)

Gene: POMGNT2 (protein O-linked mannose N-acetylglucosaminyltransferase 2 (beta 1,4-); minus strand). Cytogenetic location: 3p22.1.
Variant type: single nucleotide variant.
Coding change: c.459C>T on transcript NM_032806.6 (MANE Select); coding-DNA position 459, C replaced by T.
Protein change: p.Ala153=; no amino-acid change (alanine 153 retained).
Molecular consequence: synonymous variant.
Genome position (GRCh38, 1-based): chr3:43,080,973, G>A on the plus strand (C>T on the coding strand, the complement: POMGNT2 is on the minus strand). VCF-style: chr3-43080973-G-A. GRCh37 (hg19) VCF-style: chr3-43122465-G-A.
Identifiers: ClinVar variation 705088 (VCV000705088.28), dbSNP rs373276653, ClinGen allele CA2340073.

ClinVar aggregate classification (germline): Likely benign. Review status: criteria provided, multiple submitters, no conflicts (2 of 4 stars). 5 submissions from 5 submitters: Likely benign (4). 1 of the submissions does not count toward it. Last evaluated 2026-01-19.

Conditions:
POMGNT2-related disorder. Also called: POMGNT2-related condition.
Muscular dystrophy-dystroglycanopathy (congenital with brain and eye anomalies), type a, 8 (MDDGA8). Also called: WALKER-WARBURG SYNDROME OR MUSCLE-EYE-BRAIN DISEASE, GTDC2-RELATED. Identifiers: Orphanet 899, MedGen C3553813, MONDO:0013904, OMIM 614830.

Allele frequency attached by ClinVar (database versions not stated): gnomAD 0.00005; TOPMed 0.00006; ESP Exome Variant Server 0.00008; gnomAD exomes 0.00010 and 0.00014; ExAC 0.00014.

Submissions (5):

Labcorp Genetics (formerly Invitae), Labcorp
Classification: Likely benign for Muscular dystrophy-dystroglycanopathy (congenital with brain and eye anomalies), type a, 8. Last evaluated: 2026-01-19. Review status: criteria provided, single submitter. Criteria: Invitae Variant Classification Sherloc (09022015). Collection method: clinical testing. Allele origin: germline.

CeGaT Center for Human Genetics Tuebingen
Classification: Likely benign. Last evaluated: 2025-02-01. Review status: criteria provided, single submitter. Criteria: CeGaT Center For Human Genetics Tuebingen Variant Classification Criteria Version 2. Collection method: clinical testing. Allele origin: germline. Affected: yes. Observed: 1 variant allele.
Comment: POMGNT2: BP4, BP7

GeneDx
Classification: Likely benign. Last evaluated: 2020-08-25. Review status: criteria provided, single submitter. Criteria: GeneDx Variant Classification Process June 2021. Collection method: clinical testing. Allele origin: germline. Affected: yes.

Breakthrough Genomics
Classification: Likely benign. Review status: criteria provided, single submitter. Criteria: ACMG Guidelines, 2015. Collection method: not provided. Allele origin: germline. Inheritance: Autosomal recessive inheritance. Affected: yes.

PreventionGenetics, part of Exact Sciences
Classification: Likely benign for POMGNT2-related condition. Last evaluated: 2019-11-12. Review status: no assertion criteria provided. Collection method: clinical testing. Allele origin: germline. Not counted in ClinVar's aggregate classification.
Comment: This variant is classified as likely benign based on ACMG/AMP sequence variant interpretation guidelines (Richards et al. 2015 PMID: 25741868, with internal and published modifications).